The following is an entry in ClinVar:

ClinVar aggregate classification (germline): Uncertain significance. Review status: criteria provided, single submitter (1 of 4 stars). 2 submissions from 2 submitters: Uncertain significance (1). 1 of the submissions does not count toward it. Last evaluated 2020-12-03.

Conditions:
Primary ciliary dyskinesia. Also called: Ciliary dyskinesia. Identifiers: Orphanet 244, MedGen C0008780, MONDO:0016575, HP:0012265.

Allele frequency attached by ClinVar (database versions not stated): gnomAD exomes below 0.00001 and 0.00001; TOPMed below 0.00001; ExAC 0.00001; gnomAD 0.00001.
gnomAD v4.1: 6 of 1,612,552 alleles (0.00037%); highest among the groups gnomAD compares: Non-Finnish European, 0.00042%; no homozygotes.

Submissions (2):

GeneDx
Classification: Uncertain significance. Last evaluated: 2020-12-03. Review status: criteria provided, single submitter. Criteria: GeneDx Variant Classification Process June 2021. Collection method: clinical testing. Allele origin: germline. Affected: yes.
Comment: In silico analysis supports that this missense variant has a deleterious effect on protein structure/function; Has not been previously published as pathogenic or benign to our knowledge

Natera, Inc.
Classification: Uncertain significance for Primary ciliary dyskinesia. Last evaluated: 2021-04-02. Review status: no assertion criteria provided. Collection method: clinical testing. Allele origin: germline. Not counted in ClinVar's aggregate classification.

NM_001369.3(DNAH5):c.5807C>T (p.Thr1936Ile)

Gene: DNAH5 (dynein axonemal heavy chain 5; minus strand). Cytogenetic location: 5p15.2.
Variant type: single nucleotide variant.
Coding change: c.5807C>T on transcript NM_001369.3 (MANE Select); coding-DNA position 5807, C replaced by T.
Protein change: p.Thr1936Ile; replaces threonine 1936 with isoleucine.
Molecular consequence: missense variant.
Genome position (GRCh38, 1-based): chr5:13,839,431, G>A on the plus strand (C>T on the coding strand, the complement: DNAH5 is on the minus strand). VCF-style: chr5-13839431-G-A. GRCh37 (hg19) VCF-style: chr5-13839540-G-A.
Other names: short protein forms T1936I.
Identifiers: ClinVar variation 392889 (VCV000392889.4), dbSNP rs779609286, ClinGen allele CA3203570.